The following is an entry in ClinVar:

NM_001079843.3(CASZ1):c.1573G>A (p.Gly525Ser)

Gene: CASZ1 (castor zinc finger 1; minus strand). Cytogenetic location: 1p36.22.
Variant type: single nucleotide variant.
Coding change: c.1573G>A on transcript NM_001079843.3 (MANE Select); coding-DNA position 1573, G replaced by A.
Protein change: p.Gly525Ser; replaces glycine 525 with serine.
Molecular consequence: missense variant.
Genome position (GRCh38, 1-based): chr1:10,655,741, C>T on the plus strand (G>A on the coding strand, the complement: CASZ1 is on the minus strand). VCF-style: chr1-10655741-C-T. GRCh37 (hg19) VCF-style: chr1-10715798-C-T.
Other names: c.1573G>A, p.Gly525Ser (NM_017766.5); c.1573G>A (NM_001079843.2); short protein forms G525S.
Identifiers: ClinVar variation 2894003 (VCV002894003.4), dbSNP rs2522165819, ClinGen allele CA338369315.

ClinVar aggregate classification (germline): Uncertain significance. Review status: criteria provided, multiple submitters, no conflicts (2 of 4 stars). 2 submissions from 2 submitters: Uncertain significance (2). Last evaluated 2025-07-09.

Allele frequency attached by ClinVar (database versions not stated): gnomAD exomes below 0.00001.
gnomAD v4.1: 1 of 1,614,198 alleles (0.000062%); highest among the groups gnomAD compares: Non-Finnish European, 0.000085%; no homozygotes.

Submissions (2):

GeneDx
Classification: Uncertain significance. Last evaluated: 2025-07-09. Review status: criteria provided, single submitter. Criteria: GeneDx Variant Classification Process June 2021. Collection method: clinical testing. Allele origin: germline. Affected: yes.
Comment: Not observed at significant frequency in large population cohorts (gnomAD); In silico analysis supports that this missense variant has a deleterious effect on protein structure/function; Has not been previously published as pathogenic or benign to our knowledge

Labcorp Genetics (formerly Invitae), Labcorp
Classification: Uncertain significance. Last evaluated: 2023-02-20. Review status: criteria provided, single submitter. Criteria: Invitae Variant Classification Sherloc (09022015). Collection method: clinical testing. Allele origin: germline.
Comment: An algorithm developed to predict the effect of missense changes on protein structure and function (PolyPhen-2) suggests that this variant is likely to be disruptive. In summary, the available evidence is currently insufficient to determine the role of this variant in disease. Therefore, it has been classified as a Variant of Uncertain Significance. This variant has not been reported in the literature in individuals affected with CASZ1-related conditions. This variant is not present in population databases (gnomAD no frequency). This sequence change replaces glycine, which is neutral and non-polar, with serine, which is neutral and polar, at codon 525 of the CASZ1 protein (p.Gly525Ser).